The following is an entry in ClinVar:

ClinVar aggregate classification (germline): Uncertain significance (1 of 4 stars; one submission).

Conditions:
Peroxisome biogenesis disorder 4B (PBD4B). Also called: SPINOCEREBELLAR ATAXIA WITH BLINDNESS AND DEAFNESS 1. Identifiers: Orphanet 44, Orphanet 95433, MedGen C3553937, MONDO:0013931, OMIM 614863.

Submission:

Cellular and Molecular Research Center, Cellular and Molecular Medicine Research Institute,, Urmia University of Medical Sciences
Classification: Uncertain significance for Peroxisome biogenesis disorder 4B. Last evaluated: 2026-10-14. Review status: criteria provided, single submitter. Criteria: ACMG Guidelines, 2015. Collection method: clinical testing. Allele origin: germline. Inheritance: Autosomal recessive inheritance. Affected: yes. Observed: 1 variant allele, 1 compound heterozygote.
Comment: The PEX6 gene (OMIM: 601498), located on chromosome 6p21.1, encodes peroxisomal biogenesis factor 6, a member of the AAA ATPase protein family. PEX6 interacts with PEX1 to form an ATP-dependent protein complex essential for peroxisomal matrix protein import and the recycling of the PEX5 receptor. Proper PEX6 function is therefore necessary for normal peroxisome biogenesis and cellular metabolism. Molecular characterization of c.1244G>T: This variant represents a single-nucleotide substitution in which guanine (G) is replaced by thymine (T) at coding DNA position 1244. It is classified as a G-to-T transversion. The precise protein-level consequence must be established by translating the corresponding codon using the specified NM_001316313 transcript. Therefore, a missense or nonsense effect should not be assigned without sequence verification. PEX6 c.1244G>T is a single-nucleotide G-to-T transversion. PEX6 deficiency is an established cause of autosomal recessive peroxisome biogenesis disorders, particularly Zellweger spectrum disorder. However, the exact protein consequence and pathogenicity of this particular variant require further investigation.

Literature cited by the submitters: PubMed 36249295.

NM_000287.4(PEX6):c.1508G>T (p.Ser503Ile)

Gene: PEX6 (peroxisomal biogenesis factor 6; minus strand). Cytogenetic location: 6p21.1.
Variant type: single nucleotide variant.
Coding change: c.1508G>T on transcript NM_000287.4 (MANE Select); coding-DNA position 1508, G replaced by T.
Protein change: p.Ser503Ile; replaces serine 503 with isoleucine.
Molecular consequence: missense variant. On other transcripts: non-coding transcript variant (1).
Genome position (GRCh38, 1-based): chr6:42,968,470, C>A on the plus strand (G>T on the coding strand, the complement: PEX6 is on the minus strand). VCF-style: chr6-42968470-C-A. GRCh37 (hg19) VCF-style: chr6-42936208-C-A.
Other names: c.1244G>T, p.Ser415Ile (NM_001316313.2); short protein forms S415I, S503I.
Identifiers: ClinVar variation 5041972 (VCV005041972.1).